The following is an entry in ClinVar:

NM_006642.5(SDCCAG8):c.1501G>C (p.Asp501His)

Gene: SDCCAG8 (SHH signaling and ciliogenesis regulator SDCCAG8; plus strand). Cytogenetic location: 1q43.
Variant type: single nucleotide variant.
Coding change: c.1501G>C on transcript NM_006642.5 (MANE Select); coding-DNA position 1501, G replaced by C.
Protein change: p.Asp501His; replaces aspartic acid 501 with histidine.
Molecular consequence: missense variant.
Genome position (GRCh38, 1-based): chr1:243,378,748, G>C. VCF-style: chr1-243378748-G-C. GRCh37 (hg19) VCF-style: chr1-243542050-G-C.
Other names: p.Asp501His; c.598G>C, p.Asp200His (NM_001350246.2, NM_001350247.2, NM_001350251.2); c.1597G>C, p.Asp533His (NM_001350248.2); c.1207G>C, p.Asp403His (NM_001350249.2); short protein forms D501H, D533H, D200H, D403H.
Identifiers: ClinVar variation 212138 (VCV000212138.25), dbSNP rs150646039, ClinGen allele CA207762.

ClinVar aggregate classification (germline): Conflicting classifications of pathogenicity. Review status: criteria provided, conflicting classifications (1 of 4 stars). 6 submissions from 6 submitters: Uncertain significance (2); Likely benign (3). 1 of the submissions does not count toward it. Last evaluated 2026-01-19.

Conditions:
SDCCAG8-related disorder. Also called: SDCCAG8-related condition; SDCCAG8-Related Disorders.
Senior-Loken syndrome 7 (SLSN7). Identifiers: Orphanet 3156, MedGen C3150877, MONDO:0013326, OMIM 613615.
Bardet-Biedl syndrome 16 (BBS16). Identifiers: Orphanet 110, MedGen C3889474, MONDO:0014444, OMIM 615993.

Allele frequency attached by ClinVar (database versions not stated): gnomAD exomes 0.00030; ExAC 0.00038; 1000 Genomes Project 0.00060; 1000 Genomes Project 30x 0.00062; gnomAD 0.00127 and 0.00138; TOPMed 0.00155; ESP Exome Variant Server 0.00161.
gnomAD v4.1: 370 of 1,614,038 alleles (0.023%); highest among the groups gnomAD compares: African/African-American, 0.42%; no homozygotes.

Submissions (6):

Labcorp Genetics (formerly Invitae), Labcorp
Classification: Likely benign for Bardet-Biedl syndrome 16; Senior-Loken syndrome 7. Last evaluated: 2026-01-19. Review status: criteria provided, single submitter. Criteria: Invitae Variant Classification Sherloc (09022015). Collection method: clinical testing. Allele origin: germline.

GeneDx
Classification: Uncertain significance. Last evaluated: 2025-08-15. Review status: criteria provided, single submitter. Criteria: GeneDx Variant Classification Process June 2021. Collection method: clinical testing. Allele origin: germline. Affected: yes.
Comment: In silico analysis suggests that this missense variant does not alter protein structure/function; Has not been previously published as pathogenic or benign to our knowledge

Mayo Clinic Laboratories, Mayo Clinic
Classification: Likely benign. Last evaluated: 2025-06-19. Review status: criteria provided, single submitter. Criteria: ACMG Guidelines, 2015. Collection method: clinical testing. Allele origin: germline. Observed: 1 variant allele.
Comment: BS1, BP4_moderate

Blueprint Genetics
Classification: Likely benign. Last evaluated: 2024-10-22. Review status: criteria provided, single submitter. Criteria: ACMG Guidelines, 2015. Collection method: clinical testing. Allele origin: germline.

Genetic Services Laboratory, University of Chicago
Classification: Uncertain significance. Last evaluated: 2015-05-21. Review status: criteria provided, single submitter. Criteria: ACMG Guidelines, 2015. Collection method: clinical testing. Allele origin: germline.

PreventionGenetics, part of Exact Sciences
Classification: Likely benign for SDCCAG8-related condition. Last evaluated: 2024-01-02. Review status: no assertion criteria provided. Collection method: clinical testing. Allele origin: germline. Not counted in ClinVar's aggregate classification.
Comment: This variant is classified as likely benign based on ACMG/AMP sequence variant interpretation guidelines (Richards et al. 2015 PMID: 25741868, with internal and published modifications).